The following is an entry in ClinVar:

NM_007166.4(PICALM):c.1770T>G (p.Ala590=)

Gene: PICALM (phosphatidylinositol binding clathrin assembly protein; minus strand). Cytogenetic location: 11q14.2.
Variant type: single nucleotide variant.
Coding change: c.1770T>G on transcript NM_007166.4 (MANE Select); coding-DNA position 1770, T replaced by G.
Protein change: p.Ala590=; no amino-acid change (alanine 590 retained).
Molecular consequence: synonymous variant.
Genome position (GRCh38, 1-based): chr11:85,981,138, A>C on the plus strand (T>G on the coding strand, the complement: PICALM is on the minus strand). VCF-style: chr11-85981138-A-C. GRCh37 (hg19) VCF-style: chr11-85692181-A-C.
Other names: c.1620T>G, p.Ala540= (NM_001008660.3); c.1749T>G, p.Ala583= (NM_001206946.2); c.1467T>G, p.Ala489= (NM_001206947.2).
Identifiers: ClinVar variation 403297 (VCV000403297.9), dbSNP rs694353, ClinGen allele CA6215633.

ClinVar aggregate classification (germline): Benign. Review status: criteria provided, multiple submitters, no conflicts (2 of 4 stars). 4 submissions from 4 submitters: Benign (3). 1 of the submissions does not count toward it. Last evaluated 2018-11-12.

Conditions:
PICALM-related disorder. Also called: PICALM-related condition.

Allele frequency attached by ClinVar (database versions not stated): TOPMed 0.59904; ESP Exome Variant Server 0.60328; 1000 Genomes Project 0.62280; 1000 Genomes Project 30x 0.62367.
gnomAD v4.1: 900,849 of 1,539,134 alleles (59%); highest among the groups gnomAD compares: East Asian, 67%; 266,035 homozygotes.

Submissions (4):

GeneDx
Classification: Benign. Last evaluated: 2018-11-12. Review status: criteria provided, single submitter. Criteria: GeneDx Variant Classification Process June 2021. Collection method: clinical testing. Allele origin: germline. Affected: yes.

Laboratory for Molecular Medicine, Mass General Brigham Personalized Medicine
Classification: Benign. Last evaluated: 2016-03-29. Review status: criteria provided, single submitter. Criteria: LMM Criteria. Collection method: clinical testing. Allele origin: germline.
Comment: Variant identified in a genome or exome case(s) and assessed due to predicted null impact of the variant or pathogenic assertions in the literature or databases. Disclaimer: This variant has not undergone full assessment. The following are preliminary notes: Frequency

Breakthrough Genomics
Classification: Benign. Review status: criteria provided, single submitter. Criteria: ACMG Guidelines, 2015. Collection method: not provided. Allele origin: germline. Inheritance: Autosomal dominant inheritance. Affected: yes.

PreventionGenetics, part of Exact Sciences
Classification: Benign for PICALM-related condition. Last evaluated: 2019-10-17. Review status: no assertion criteria provided. Collection method: clinical testing. Allele origin: germline. Not counted in ClinVar's aggregate classification.
Comment: This variant is classified as benign based on ACMG/AMP sequence variant interpretation guidelines (Richards et al. 2015 PMID: 25741868, with internal and published modifications).